The following is an entry in ClinVar:

NM_198428.3(BBS9):c.1017-4G>T

Gene: BBS9 (Bardet-Biedl syndrome 9; plus strand). Cytogenetic location: 7p14.3.
Variant type: single nucleotide variant.
Coding change: c.1017-4G>T on transcript NM_198428.3 (MANE Select); 4 bases into the intron before coding-DNA position 1017, G replaced by T.
Molecular consequence: intron variant.
Genome position (GRCh38, 1-based): chr7:33,336,437, G>T. VCF-style: chr7-33336437-G-T. GRCh37 (hg19) VCF-style: chr7-33376049-G-T.
Other names: c.1017-4G>T (NM_001348036.1, NM_001362679.1, NM_001348041.4 and 6 more transcripts); c.744-4G>T (NM_001348038.3, NM_001348039.3); c.651-4G>T (NM_001348037.3, NM_001348045.3, NM_001348046.3 and 1 more transcripts); c.882-4G>T (NM_001348042.3).
Identifiers: ClinVar variation 2896500 (VCV002896500.4), dbSNP rs1815361895, ClinGen allele CA1698717463.

ClinVar aggregate classification (germline): Likely benign. Review status: criteria provided, multiple submitters, no conflicts (2 of 4 stars). 2 submissions from 2 submitters: Likely benign (2). Last evaluated 2024-12-05.

Conditions:
BBS9-related disorder. Also called: BBS9-related condition.
Bardet-Biedl syndrome (BBS). Identifiers: Orphanet 110, MedGen C0752166, MONDO:0015229.

Allele frequency attached by ClinVar (database versions not stated): TOPMed 0.00001.

Submissions (2):

PreventionGenetics, part of Exact Sciences
Classification: Likely benign for BBS9-related condition. Last evaluated: 2024-12-05. Review status: criteria provided, single submitter. Criteria: ACMG Guidelines, 2015. Collection method: clinical testing. Allele origin: germline.
Comment: This variant is classified as likely benign based on ACMG/AMP sequence variant interpretation guidelines (Richards et al. 2015 PMID: 25741868, with internal and published modifications).

Labcorp Genetics (formerly Invitae), Labcorp
Classification: Likely benign for Bardet-Biedl syndrome. Last evaluated: 2023-10-22. Review status: criteria provided, single submitter. Criteria: Invitae Variant Classification Sherloc (09022015). Collection method: clinical testing. Allele origin: germline.